The following is an entry in ClinVar:

ClinVar aggregate classification (germline): Benign. Review status: criteria provided, multiple submitters, no conflicts (2 of 4 stars). 5 submissions from 5 submitters: Benign (5). Last evaluated 2026-02-04.

Conditions:
DOCK2 deficiency. Also called: Immunodeficiency 40. Identifiers: Orphanet 447737, MedGen C4225328, MONDO:0014637, OMIM 616433.

Allele frequency attached by ClinVar (database versions not stated): gnomAD 0.46437 and 0.45388; gnomAD exomes 0.39186 and 0.40142; 1000 Genomes Project 0.39537; ExAC 0.39671; 1000 Genomes Project 30x 0.39897; ESP Exome Variant Server 0.47670; TOPMed 0.45809.
gnomAD v4.1: 654,930 of 1,613,278 alleles (41%); highest among the groups gnomAD compares: African/African-American, 61%; 136,759 homozygotes.

Submissions (5):

Labcorp Genetics (formerly Invitae), Labcorp
Classification: Benign for DOCK2 deficiency. Last evaluated: 2026-02-04. Review status: criteria provided, single submitter. Criteria: Invitae Variant Classification Sherloc (09022015). Collection method: clinical testing. Allele origin: germline.

Women's Health and Genetics/Laboratory Corporation of America, LabCorp
Classification: Benign. Last evaluated: 2026-01-21. Review status: criteria provided, single submitter. Criteria: LabCorp Variant Classification Summary - May 2015. Collection method: clinical testing. Allele origin: germline.

Unidad de Genómica Garrahan, Hospital de Pediatría Garrahan
Classification: Benign. Last evaluated: 2024-01-24. Review status: criteria provided, single submitter. Criteria: ACMG Guidelines, 2015. Collection method: clinical testing. Allele origin: germline. Affected: no. Observed: 63 variant alleles.
Comment: This variant is classified as Benign based on local population frequency. This variant was detected in 66% of patients studied by a panel of primary immunodeficiencies. Number of patients: 63. Only high quality variants are reported.

Mayo Clinic Laboratories, Mayo Clinic
Classification: Benign. Last evaluated: 2022-09-06. Review status: criteria provided, single submitter. Criteria: ACMG Guidelines, 2015. Collection method: clinical testing. Allele origin: germline. Observed: 12 variant alleles.

Genome-Nilou Lab
Classification: Benign for DOCK2 deficiency. Last evaluated: 2021-07-30. Review status: criteria provided, single submitter. Criteria: ACMG Guidelines, 2015. Collection method: clinical testing. Allele origin: germline. Affected: no.

NM_004946.3(DOCK2):c.2727G>A (p.Gln909=)

Gene: DOCK2 (dedicator of cytokinesis 2; plus strand). Cytogenetic location: 5q35.1.
Variant type: single nucleotide variant.
Coding change: c.2727G>A on transcript NM_004946.3 (MANE Select); coding-DNA position 2727, G replaced by A.
Protein change: p.Gln909=; no amino-acid change (glutamine 909 retained).
Molecular consequence: synonymous variant. On other transcripts: non-coding transcript variant (1).
Genome position (GRCh38, 1-based): chr5:169,840,780, G>A. VCF-style: chr5-169840780-G-A. GRCh37 (hg19) VCF-style: chr5-169267784-G-A.
Other names: p.Gln909=; c.2727G>A (NM_004946.2).
Identifiers: ClinVar variation 1165006 (VCV001165006.16), dbSNP rs261623, ClinGen allele CA3553835.